The following is an entry in ClinVar:

ClinVar aggregate classification (germline): Uncertain significance (1 of 4 stars; one submission).

Conditions:
Long QT syndrome (LQTS). Identifiers: MedGen C0023976, MeSH D008133, MONDO:0002442. Disease mechanism: loss of function. Inheritance: Various modes of inheritance.

Allele frequency attached by ClinVar (database versions not stated): gnomAD exomes below 0.00001.
gnomAD v4.1: 1 of 1,614,128 alleles (0.000062%); highest among the groups gnomAD compares: Non-Finnish European, 0.000085%; no homozygotes.

Submission:

Labcorp Genetics (formerly Invitae), Labcorp
Classification: Uncertain significance for Long QT syndrome. Last evaluated: 2019-11-27. Review status: criteria provided, single submitter. Criteria: Invitae Variant Classification Sherloc (09022015). Collection method: clinical testing. Allele origin: germline.
Comment: Algorithms developed to predict the effect of missense changes on protein structure and function (SIFT, PolyPhen-2, Align-GVGD) all suggest that this variant is likely to be disruptive, but these predictions have not been confirmed by published functional studies and their clinical significance is uncertain. This variant has not been reported in the literature in individuals with CAV3-related conditions. This variant is not present in population databases (ExAC no frequency). This sequence change replaces isoleucine with valine at codon 45 of the CAV3 protein (p.Ile45Val). The isoleucine residue is highly conserved and there is a small physicochemical difference between isoleucine and valine. In summary, the available evidence is currently insufficient to determine the role of this variant in disease. Therefore, it has been classified as a Variant of Uncertain Significance.

NM_033337.3(CAV3):c.133A>G (p.Ile45Val)

Genes: CAV3 (caveolin 3; plus strand), OXTR (oxytocin receptor; minus strand). Cytogenetic location: 3p25.3.
Variant type: single nucleotide variant.
Coding change: c.133A>G on transcript NM_033337.3 (MANE Select); coding-DNA position 133, A replaced by G.
Protein change: p.Ile45Val; replaces isoleucine 45 with valine.
Molecular consequence: missense variant.
Genome position (GRCh38, 1-based): chr3:8,745,544, A>G. VCF-style: chr3-8745544-A-G. GRCh37 (hg19) VCF-style: chr3-8787230-A-G.
Other names: c.133A>G, p.Ile45Val (NM_001234.5); short protein forms I45V.
Identifiers: ClinVar variation 846593 (VCV000846593.6), dbSNP rs1708128320, ClinGen allele CA351663150.